The following is an entry in ClinVar:

NM_000057.4(BLM):c.1139G>A (p.Cys380Tyr)

Gene: BLM (BLM RecQ like helicase; plus strand). Cytogenetic location: 15q26.1.
Variant type: single nucleotide variant.
Coding change: c.1139G>A on transcript NM_000057.4 (MANE Select); coding-DNA position 1139, G replaced by A.
Protein change: p.Cys380Tyr; replaces cysteine 380 with tyrosine.
Molecular consequence: missense variant.
Genome position (GRCh38, 1-based): chr15:90,760,198, G>A. VCF-style: chr15-90760198-G-A. GRCh37 (hg19) VCF-style: chr15-91303428-G-A.
Other names: c.1139G>A, p.Cys380Tyr (NM_001287246.2, NM_001287247.2); c.14G>A, p.Cys5Tyr (NM_001287248.2); short protein forms C380Y, C5Y.
Identifiers: ClinVar variation 2069680 (VCV002069680.5), dbSNP rs2151157318, ClinGen allele CA393842396.
Genomic context (GRCh38, chr15:90,760,198, plus strand): 5'-ATTTTATAGCTAGACAGATAAGTTTACAGCAGCAGCTTATTCATGTGATGGAGCACATCT[G>A]TAAATTAATTGATACTATTCCTGATGATAAACTGAAACTTTTGGATTGTGGGAACGAACT-3'
Protein context (NP_000048.1, residues 370-390): QQLIHVMEHI[Cys380Tyr]KLIDTIPDDK

ClinVar aggregate classification (germline): Uncertain significance. Review status: criteria provided, multiple submitters, no conflicts (2 of 4 stars). 2 submissions from 2 submitters: Uncertain significance (2). Last evaluated 2024-09-04.

Conditions:
Hereditary cancer-predisposing syndrome. Also called: Neoplastic Syndromes, Hereditary; Hereditary Cancer Syndrome; Tumor predisposition; Hereditary neoplastic syndrome. Identifiers: Orphanet 140162, MedGen C0027672, MeSH D009386, MONDO:0015356.
Bloom syndrome (BLM). Also called: Bloom-Torre-Machacek syndrome. Identifiers: Orphanet 125, MedGen C0005859, MONDO:0008876, OMIM 210900.

Allele frequency attached by ClinVar (database versions not stated): gnomAD exomes below 0.00001.
gnomAD v4.1: 2 of 1,613,286 alleles (0.00012%); highest among the groups gnomAD compares: Non-Finnish European, 0.00017%; no homozygotes.

Submissions (2):

Labcorp Genetics (formerly Invitae), Labcorp
Classification: Uncertain significance for Bloom syndrome. Last evaluated: 2024-09-04. Review status: criteria provided, single submitter. Criteria: Invitae Variant Classification Sherloc (09022015). Collection method: clinical testing. Allele origin: germline.
Comment: This sequence change replaces cysteine, which is neutral and slightly polar, with tyrosine, which is neutral and polar, at codon 380 of the BLM protein (p.Cys380Tyr). This variant is not present in population databases (gnomAD no frequency). This variant has not been reported in the literature in individuals affected with BLM-related conditions. ClinVar contains an entry for this variant (Variation ID: 2069680). Invitae Evidence Modeling of protein sequence and biophysical properties (such as structural, functional, and spatial information, amino acid conservation, physicochemical variation, residue mobility, and thermodynamic stability) indicates that this missense variant is not expected to disrupt BLM protein function with a negative predictive value of 80%. In summary, the available evidence is currently insufficient to determine the role of this variant in disease. Therefore, it has been classified as a Variant of Uncertain Significance.

Ambry Genetics
Classification: Uncertain significance for Hereditary cancer-predisposing syndrome. Last evaluated: 2023-01-17. Review status: criteria provided, single submitter. Criteria: Ambry Variant Classification Scheme 2023. Collection method: clinical testing. Allele origin: germline.
Comment: The p.C380Y variant (also known as c.1139G>A), located in coding exon 5 of the BLM gene, results from a G to A substitution at nucleotide position 1139. The cysteine at codon 380 is replaced by tyrosine, an amino acid with highly dissimilar properties. This amino acid position is conserved. In addition, this alteration is predicted to be deleterious by in silico analysis. Since supporting evidence is limited at this time, the clinical significance of this alteration remains unclear.